The following is an entry in ClinVar:

NM_000883.4(IMPDH1):c.290A>G (p.Tyr97Cys)

Gene: IMPDH1 (inosine monophosphate dehydrogenase 1; minus strand). Cytogenetic location: 7q32.1.
Variant type: single nucleotide variant.
Coding change: c.290A>G on transcript NM_000883.4 (MANE Select); coding-DNA position 290, A replaced by G.
Protein change: p.Tyr97Cys; replaces tyrosine 97 with cysteine.
Molecular consequence: missense variant. On other transcripts: intron variant (2).
Genome position (GRCh38, 1-based): chr7:128,405,830, T>C on the plus strand (A>G on the coding strand, the complement: IMPDH1 is on the minus strand). VCF-style: chr7-128405830-T-C. GRCh37 (hg19) VCF-style: chr7-128045884-T-C.
Other names: c.260A>G, p.Tyr87Cys (NM_001102605.2); c.35A>G, p.Tyr12Cys (NM_001142573.2, NM_001142574.2, NM_001142575.2); c.182A>G, p.Tyr61Cys (NM_183243.3); c.147-2076A>G (NM_001304521.2); c.255-2076A>G (NM_001142576.2); short protein forms Y61C, Y97C, Y12C, Y87C.
Identifiers: ClinVar variation 931163 (VCV000931163.3), dbSNP rs1798694612, ClinGen allele CA369178461.

ClinVar aggregate classification (germline): Uncertain significance (1 of 4 stars; one submission).

Conditions:
Leber congenital amaurosis 11 (LCA11). Identifiers: Orphanet 65, MedGen C1840284, MONDO:0013454, OMIM 613837.

Submission:

Centre for Mendelian Genomics, University Medical Centre Ljubljana
Classification: Uncertain significance for Leber congenital amaurosis 11. Last evaluated: 2019-07-10. Review status: criteria provided, single submitter. Criteria: ACMG Guidelines, 2015. Collection method: clinical testing. Allele origin: unknown. Affected: yes.
Comment: This variant was classified as: Uncertain significance. The available evidence on this variant's pathogenicity is insufficient or conflicting. The following ACMG criteria were applied in classifying this variant: PM2,PP3.